The following is an entry in ClinVar:

NM_152309.3(PIK3AP1):c.150G>C (p.Glu50Asp)

Gene: PIK3AP1 (phosphoinositide-3-kinase adaptor protein 1; minus strand). Cytogenetic location: 10q24.1.
Variant type: single nucleotide variant.
Coding change: c.150G>C on transcript NM_152309.3 (MANE Select); coding-DNA position 150, G replaced by C.
Protein change: p.Glu50Asp; replaces glutamic acid 50 with aspartic acid.
Molecular consequence: missense variant.
Genome position (GRCh38, 1-based): chr10:96,709,847, C>G on the plus strand (G>C on the coding strand, the complement: PIK3AP1 is on the minus strand). VCF-style: chr10-96709847-C-G. GRCh37 (hg19) VCF-style: chr10-98469604-C-G.
Other names: short protein forms E50D.
Identifiers: ClinVar variation 941759 (VCV000941759.9), dbSNP rs1844416205, ClinGen allele CA377760065.

ClinVar aggregate classification (germline): Uncertain significance (1 of 4 stars; one submission).

Conditions:
Infantile spasms. Also called: Infantile spasm. Identifiers: MedGen C3887898, HP:0012469.

Submission:

Labcorp Genetics (formerly Invitae), Labcorp
Classification: Uncertain significance for Infantile spasms. Last evaluated: 2024-10-23. Review status: criteria provided, single submitter. Criteria: Invitae Variant Classification Sherloc (09022015). Collection method: clinical testing. Allele origin: germline.
Comment: This sequence change replaces glutamic acid, which is acidic and polar, with aspartic acid, which is acidic and polar, at codon 50 of the PIK3AP1 protein (p.Glu50Asp). This variant is not present in population databases (gnomAD no frequency). This variant has not been reported in the literature in individuals affected with PIK3AP1-related conditions. ClinVar contains an entry for this variant (Variation ID: 941759). An algorithm developed to predict the effect of missense changes on protein structure and function outputs the following: PolyPhen-2: "Benign". The aspartic acid amino acid residue is found in multiple mammalian species, which suggests that this missense change does not adversely affect protein function. In summary, the available evidence is currently insufficient to determine the role of this variant in disease. Therefore, it has been classified as a Variant of Uncertain Significance.